The following is an entry in ClinVar:

NM_017777.4(MKS1):c.76C>T (p.Leu26Phe)

Genes: MKS1 (MKS transition zone complex subunit 1; minus strand), LOC130061271 (ATAC-STARR-seq lymphoblastoid active region 12461; plus strand). Cytogenetic location: 17q22.
Variant type: single nucleotide variant.
Coding change: c.76C>T on transcript NM_017777.4 (MANE Select); coding-DNA position 76, C replaced by T.
Protein change: p.Leu26Phe; replaces leucine 26 with phenylalanine.
Molecular consequence: missense variant. On other transcripts: 5 prime UTR variant (1).
Genome position (GRCh38, 1-based): chr17:58,219,155, G>A on the plus strand (C>T on the coding strand, the complement: MKS1 is on the minus strand). VCF-style: chr17-58219155-G-A. GRCh37 (hg19) VCF-style: chr17-56296516-G-A.
Other names: c.-436C>T (NM_001321268.2); c.76C>T, p.Leu26Phe (NM_001321269.2, NM_001330397.2, NM_001411113.1); short protein forms L26F.
Identifiers: ClinVar variation 2636407 (VCV002636407.2), dbSNP rs901426602, ClinGen allele CA292016694.
Genomic context (GRCh38, chr17:58,219,155, plus strand): 5'-GGAATGATCTAAGGACACAAAAGCATGGGGCCTCGGGGCTGGGGCGGTGCGACTACCGGA[G>A]GCGCAAGTTGCGCACGGGGTCCCGGGAGCGATACACTGCCTCCCCGGTGTCAGTGCTCCA-3'
Protein context (NP_060247.2, residues 16-36): RSRDPVRNLR[Leu26Phe]RVHLQRITSS

ClinVar aggregate classification (germline): Uncertain significance (0 of 4 stars; one submission).

Conditions:
MKS1-related disorder. Also called: MKS1-related disorders; MKS1-related condition. Identifiers: MedGen CN239382.

Allele frequency attached by ClinVar (database versions not stated): gnomAD exomes below 0.00001; TOPMed 0.00001.
gnomAD v4.1: 2 of 1,551,240 alleles (0.00013%); highest among the groups gnomAD compares: Non-Finnish European, 0.00017%; no homozygotes.

Submission:

PreventionGenetics, part of Exact Sciences
Classification: Uncertain significance for MKS1-related condition. Last evaluated: 2024-09-24. Review status: no assertion criteria provided. Collection method: clinical testing. Allele origin: germline.
Comment: The MKS1 c.76C>T variant is predicted to result in the amino acid substitution p.Leu26Phe. To our knowledge, this variant has not been reported in the literature. This variant is reported in 0.0017% of alleles in individuals of European (Non-Finnish) descent in gnomAD. At this time, the clinical significance of this variant is uncertain due to the absence of conclusive functional and genetic evidence.